The following is an entry in ClinVar:

NM_006270.5(RRAS):c.*4A>G

Gene: RRAS (RAS related; minus strand). Cytogenetic location: 19q13.33.
Variant type: single nucleotide variant.
Coding change: c.*4A>G on transcript NM_006270.5 (MANE Select); 4 bases downstream of the stop codon, A replaced by G.
Molecular consequence: 3 prime UTR variant.
Genome position (GRCh38, 1-based): chr19:49,635,572, T>C on the plus strand (A>G on the coding strand, the complement: RRAS is on the minus strand). VCF-style: chr19-49635572-T-C. GRCh37 (hg19) VCF-style: chr19-50138829-T-C.
Identifiers: ClinVar variation 928938 (VCV000928938.5), dbSNP rs199675852, ClinGen allele CA9578918.

ClinVar aggregate classification (germline): Benign/Likely benign. Review status: criteria provided, multiple submitters, no conflicts (2 of 4 stars). 4 submissions from 4 submitters: Benign (2); Likely benign (1). 1 of the submissions does not count toward it. Last evaluated 2024-11-22.

Conditions:
RRAS-related disorder. Also called: RRAS-related condition.

Allele frequency attached by ClinVar (database versions not stated): ESP Exome Variant Server 0.00008; gnomAD exomes 0.00035 and 0.00158; gnomAD 0.00051 and 0.00061; ExAC 0.00173; 1000 Genomes Project 30x 0.00297; 1000 Genomes Project 0.00319; TOPMed 0.00075.
gnomAD v4.1: 565 of 1,423,338 alleles (0.04%); highest among the groups gnomAD compares: East Asian, 1.3%; 2 homozygotes.

Submissions (4):

Blueprint Genetics
Classification: Likely benign. Last evaluated: 2024-11-22. Review status: criteria provided, single submitter. Criteria: ACMG Guidelines, 2015. Collection method: clinical testing. Allele origin: germline.

GeneDx
Classification: Benign. Last evaluated: 2021-04-27. Review status: criteria provided, single submitter. Criteria: GeneDx Variant Classification Process June 2021. Collection method: clinical testing. Allele origin: germline. Affected: yes.

Women's Health and Genetics/Laboratory Corporation of America, LabCorp
Classification: Benign. Last evaluated: 2019-09-16. Review status: criteria provided, single submitter. Criteria: LabCorp Variant Classification Summary - May 2015. Collection method: clinical testing. Allele origin: germline.
Comment: Variant summary: RRAS c.*4A>G is located in the untranslated mRNA region downstream of the termination codon. The variant allele was found at a frequency of 0.0016 in 149148 control chromosomes, predominantly at a frequency of 0.021 within the East Asian subpopulation in the gnomAD database, including 1 homozygotes. The observed variant frequency within East Asian control individuals in the gnomAD database is approximately 8400-folds higher than the estimated maximal expected allele frequency for a pathogenic variant in RRAS causing Noonan Syndrome and Related Conditions phenotype (2.5e-06), strongly suggesting that the variant is a benign polymorphism found primarily in populations of East Asian origin. To our knowledge, no occurrence of c.*4A>G in individuals affected with Noonan Syndrome and Related Conditions and no experimental evidence demonstrating its impact on protein function have been reported. No clinical diagnostic laboratories have submitted clinical-significance assessments for this variant to ClinVar after 2014. Based on the evidence outlined above, the variant was classified as benign.

PreventionGenetics, part of Exact Sciences
Classification: Benign for RRAS-related condition. Last evaluated: 2019-07-23. Review status: no assertion criteria provided. Collection method: clinical testing. Allele origin: germline. Not counted in ClinVar's aggregate classification.
Comment: This variant is classified as benign based on ACMG/AMP sequence variant interpretation guidelines (Richards et al. 2015 PMID: 25741868, with internal and published modifications).